The following is an entry in ClinVar:

ClinVar aggregate classification (germline): Uncertain significance. Review status: criteria provided, multiple submitters, no conflicts (2 of 4 stars). 2 submissions from 2 submitters: Uncertain significance (2). Last evaluated 2026-05-14.

Conditions:
Granulomatous disease, chronic, autosomal recessive, cytochrome b-positive, type 2. Also called: CGD, AUTOSOMAL RECESSIVE CYTOCHROME b-POSITIVE, TYPE II; GRANULOMATOUS DISEASE, CHRONIC, DUE TO NCF2 DEFICIENCY; GRANULOMATOUS DISEASE, CHRONIC, AUTOSOMAL RECESSIVE, 2; Chronic granulomatous disease due to deficiency of NCF-2; Chronic Granulomatous Disease, Autosomal Recessive, Cytochrome b-Positive, Type II. Identifiers: Orphanet 379, MedGen C1856245, MONDO:0009310, OMIM 233710.

Allele frequency attached by ClinVar (database versions not stated): gnomAD 0.00002 and 0.00003; TOPMed 0.00002; gnomAD exomes 0.00003.

Submissions (2):

Division of Clinical Immunology and Allergy, Necmettin Erbakan University, Faculty of Medicine
Classification: Uncertain significance for Granulomatous disease, chronic, autosomal recessive, cytochrome b-positive, type 2. Last evaluated: 2026-05-14. Review status: criteria provided, single submitter. Criteria: ACMG Guidelines, 2015. Collection method: clinical testing. Allele origin: germline. Affected: no. Observed: 1 variant allele.

Labcorp Genetics (formerly Invitae), Labcorp
Classification: Uncertain significance for Granulomatous disease, chronic, autosomal recessive, cytochrome b-positive, type 2. Last evaluated: 2023-10-15. Review status: criteria provided, single submitter. Criteria: Invitae Variant Classification Sherloc (09022015). Collection method: clinical testing. Allele origin: germline.
Comment: This sequence change replaces arginine, which is basic and polar, with histidine, which is basic and polar, at codon 246 of the NCF2 protein (p.Arg246His). This variant is present in population databases (rs768181039, gnomAD 0.01%). This variant has not been reported in the literature in individuals affected with NCF2-related conditions. ClinVar contains an entry for this variant (Variation ID: 1402474). Advanced modeling of protein sequence and biophysical properties (such as structural, functional, and spatial information, amino acid conservation, physicochemical variation, residue mobility, and thermodynamic stability) has been performed at Invitae for this missense variant, however the output from this modeling did not meet the statistical confidence thresholds required to predict the impact of this variant on NCF2 protein function. In summary, the available evidence is currently insufficient to determine the role of this variant in disease. Therefore, it has been classified as a Variant of Uncertain Significance.

NM_000433.4(NCF2):c.737G>A (p.Arg246His)

Gene: NCF2 (neutrophil cytosolic factor 2; minus strand). Cytogenetic location: 1q25.3.
Variant type: single nucleotide variant.
Coding change: c.737G>A on transcript NM_000433.4 (MANE Select); coding-DNA position 737, G replaced by A.
Protein change: p.Arg246His; replaces arginine 246 with histidine.
Molecular consequence: missense variant.
Genome position (GRCh38, 1-based): chr1:183,567,322, C>T on the plus strand (G>A on the coding strand, the complement: NCF2 is on the minus strand). VCF-style: chr1-183567322-C-T. GRCh37 (hg19) VCF-style: chr1-183536457-C-T.
Other names: c.737G>A, p.Arg246His (NM_001127651.3); c.494G>A, p.Arg165His (NM_001190789.2); c.602G>A, p.Arg201His (NM_001190794.2); short protein forms R165H, R246H, R201H.
Identifiers: ClinVar variation 1402474 (VCV001402474.5), dbSNP rs768181039, ClinGen allele CA1284810.